The following is an entry in ClinVar:

NM_016239.4(MYO15A):c.6957-2A>C

Gene: MYO15A (myosin XVA; plus strand). Cytogenetic location: 17p11.2.
Variant type: single nucleotide variant.
Coding change: c.6957-2A>C on transcript NM_016239.4 (MANE Select); the canonical splice acceptor site of the intron before coding-DNA position 6957, A replaced by C.
Molecular consequence: splice acceptor variant.
Genome position (GRCh38, 1-based): chr17:18,149,214, A>C. VCF-style: chr17-18149214-A-C. GRCh37 (hg19) VCF-style: chr17-18052528-A-C.
Identifiers: ClinVar variation 2776219 (VCV002776219.3), dbSNP rs2545280165, ClinGen allele CA398613643.

ClinVar aggregate classification (germline): Likely pathogenic (1 of 4 stars; one submission).

gnomAD v4.1: 9 of 1,613,996 alleles (0.00056%); highest among the groups gnomAD compares: Non-Finnish European, 0.00076%; no homozygotes.

Submission:

Labcorp Genetics (formerly Invitae), Labcorp
Classification: Likely pathogenic. Last evaluated: 2023-05-27. Review status: criteria provided, single submitter. Criteria: Invitae Variant Classification Sherloc (09022015). Collection method: clinical testing. Allele origin: germline.
Comment: In summary, the currently available evidence indicates that the variant is pathogenic, but additional data are needed to prove that conclusively. Therefore, this variant has been classified as Likely Pathogenic. Algorithms developed to predict the effect of sequence changes on RNA splicing suggest that this variant may disrupt the consensus splice site. This variant has not been reported in the literature in individuals affected with MYO15A-related conditions. This variant is not present in population databases (gnomAD no frequency). This sequence change affects an acceptor splice site in intron 33 of the MYO15A gene. It is expected to disrupt RNA splicing. Variants that disrupt the donor or acceptor splice site typically lead to a loss of protein function (PMID: 16199547), and loss-of-function variants in MYO15A are known to be pathogenic (PMID: 17546645).

Literature cited by the submitters: PubMed 16199547; PubMed 17546645.